The following is an entry in ClinVar:

ClinVar aggregate classification (germline): Benign. Review status: criteria provided, single submitter (1 of 4 stars). 2 submissions from 2 submitters: Benign (1). 1 of the submissions does not count toward it. Last evaluated 2025-02-06.

Conditions:
VPS13D-related disorder. Also called: VPS13D-related condition.

Allele frequency attached by ClinVar (database versions not stated): ExAC 0.00036; 1000 Genomes Project 30x 0.00047; 1000 Genomes Project 0.00060; TOPMed 0.00004; gnomAD 0.00014; gnomAD exomes 0.00015.
gnomAD v4.1: 243 of 1,609,380 alleles (0.015%); highest among the groups gnomAD compares: South Asian, 0.25%; 2 homozygotes.

Submissions (2):

Labcorp Genetics (formerly Invitae), Labcorp
Classification: Benign. Last evaluated: 2025-02-06. Review status: criteria provided, single submitter. Criteria: Invitae Variant Classification Sherloc (09022015). Collection method: clinical testing. Allele origin: germline.

PreventionGenetics, part of Exact Sciences
Classification: Likely benign for VPS13D-related condition. Last evaluated: 2019-04-19. Review status: no assertion criteria provided. Collection method: clinical testing. Allele origin: germline. Not counted in ClinVar's aggregate classification.
Comment: This variant is classified as likely benign based on ACMG/AMP sequence variant interpretation guidelines (Richards et al. 2015 PMID: 25741868, with internal and published modifications).

NM_015378.4(VPS13D):c.8287+7A>G

Gene: VPS13D (vacuolar protein sorting 13 homolog D; plus strand). Cytogenetic location: 1p36.22.
Variant type: single nucleotide variant.
Coding change: c.8287+7A>G on transcript NM_015378.4 (MANE Select); 7 bases into the intron after coding-DNA position 8287, A replaced by G.
Molecular consequence: intron variant.
Genome position (GRCh38, 1-based): chr1:12,329,925, A>G. VCF-style: chr1-12329925-A-G. GRCh37 (hg19) VCF-style: chr1-12389982-A-G.
Other names: c.8287+7A>G (NM_015378.3, NM_018156.4).
Identifiers: ClinVar variation 2168207 (VCV002168207.6), dbSNP rs550044315, ClinGen allele CA603073.
Genomic context (GRCh38, chr1:12,329,925, plus strand): 5'-AAGGCTATGCCCACTTCACCCTTTCTGGAGATTATTATAACCGTGCTCTTTCAGGTCAGT[A>G]TAAAGCATATGTTATCATGGGATTTAAAAAATAAATTTAAATGTTTGCCTGGACCTATTG-3'